The following is an entry in ClinVar:

NM_004586.3(RPS6KA3):c.1950C>T (p.Asp650=)

Gene: RPS6KA3 (ribosomal protein S6 kinase A3; minus strand). Cytogenetic location: Xp22.12.
Variant type: single nucleotide variant.
Coding change: c.1950C>T on transcript NM_004586.3 (MANE Select); coding-DNA position 1950, C replaced by T.
Protein change: p.Asp650=; no amino-acid change (aspartic acid 650 retained).
Molecular consequence: synonymous variant.
Genome position (GRCh38, 1-based): chrX:20,161,653, G>A on the plus strand (C>T on the coding strand, the complement: RPS6KA3 is on the minus strand). VCF-style: chrX-20161653-G-A. GRCh37 (hg19) VCF-style: chrX-20179771-G-A.
Identifiers: ClinVar variation 2660139 (VCV002660139.25), dbSNP rs1305212085, ClinGen allele CA515613503.

ClinVar aggregate classification (germline): Likely benign. Review status: criteria provided, multiple submitters, no conflicts (2 of 4 stars). 2 submissions from 2 submitters: Likely benign (2). Last evaluated 2026-06-10.

Allele frequency attached by ClinVar (database versions not stated): gnomAD exomes 0.00001; TOPMed 0.00001.
gnomAD v4.1: 7 of 1,107,016 alleles (0.00063%); highest among the groups gnomAD compares: Non-Finnish European, 0.00062%; no homozygotes.

Submissions (2):

Women's Health and Genetics/Laboratory Corporation of America, LabCorp
Classification: Likely benign. Last evaluated: 2026-06-10. Review status: criteria provided, single submitter. Criteria: LabCorp Variant Classification Summary - May 2015. Collection method: clinical testing. Allele origin: germline.

CeGaT Center for Human Genetics Tuebingen
Classification: Likely benign. Last evaluated: 2022-04-01. Review status: criteria provided, single submitter. Criteria: CeGaT Center For Human Genetics Tuebingen Variant Classification Criteria Version 2. Collection method: clinical testing. Allele origin: germline. Affected: yes. Observed: 1 variant allele.
Comment: RPS6KA3: BP4, BP7